The following is an entry in ClinVar:

ClinVar aggregate classification (germline): Pathogenic (1 of 4 stars; one submission).

Conditions:
Hereditary cancer-predisposing syndrome. Also called: Hereditary Cancer Syndrome; Hereditary neoplastic syndrome; Tumor predisposition; Neoplastic Syndromes, Hereditary. Identifiers: Orphanet 140162, MedGen C0027672, MeSH D009386, MONDO:0015356.

Submission:

Ambry Genetics
Classification: Pathogenic for Hereditary cancer-predisposing syndrome. Last evaluated: 2022-07-19. Review status: criteria provided, single submitter. Criteria: Ambry Variant Classification Scheme 2023. Collection method: clinical testing. Allele origin: germline.
Comment: The c.2282delT pathogenic mutation, located in coding exon 16 of the MSH3 gene, results from a deletion of one nucleotide at nucleotide position 2282, causing a translational frameshift with a predicted alternate stop codon (p.V761Dfs*9). This variant is considered to be rare based on population cohorts in the Genome Aggregation Database (gnomAD). This alteration is expected to result in loss of function by premature protein truncation or nonsense-mediated mRNA decay. As such, this alteration is interpreted as a disease-causing mutation.

NM_002439.5(MSH3):c.2282del (p.Val761fs)

Gene: MSH3 (mutS homolog 3; plus strand). Cytogenetic location: 5q14.1.
Variant type: Deletion.
Coding change: c.2282del on transcript NM_002439.5 (MANE Select); coding-DNA position 2282, one base deleted (T; older notation c.2282delT).
Protein change: p.Val761fs; shifts the reading frame from valine 761.
Molecular consequence: frameshift variant.
Genome position (GRCh38, 1-based): chr5:80,775,722, T deleted. VCF-style (leftmost placement, unchanged base first): chr5-80775721-GT-G. GRCh37 (hg19) VCF-style: chr5-80071540-GT-G.
Other names: short protein forms V761fs.
Identifiers: ClinVar variation 1788961 (VCV001788961.2), dbSNP rs2546777870, ClinGen allele CA2580073571.
Genomic context (GRCh38, chr5:80,775,721, plus strand): 5'-ATCTAAATCTCTGTTTATTTGTATTTGTTTTAGTTTATGATAGAAATAAAGAACTCTGCT[GT>G]ATCTTGTATACCAACTGATTGGGTAAAGGTTGGAAGGTAGGTTTAAAATAAATTTTTTTC-3'